The following is an entry in ClinVar:

NM_032119.4(ADGRV1):c.2991T>C (p.Ile997=)

Gene: ADGRV1 (adhesion G protein-coupled receptor V1; plus strand). Cytogenetic location: 5q14.3.
Variant type: single nucleotide variant.
Coding change: c.2991T>C on transcript NM_032119.4 (MANE Select); coding-DNA position 2991, T replaced by C.
Protein change: p.Ile997=; no amino-acid change (isoleucine 997 retained).
Molecular consequence: synonymous variant. On other transcripts: non-coding transcript variant (1).
Genome position (GRCh38, 1-based): chr5:90,646,060, T>C. VCF-style: chr5-90646060-T-C. GRCh37 (hg19) VCF-style: chr5-89941877-T-C.
Identifiers: ClinVar variation 290419 (VCV000290419.17), dbSNP rs570773279, ClinGen allele CA3339079.

ClinVar aggregate classification (germline): Conflicting classifications of pathogenicity. Review status: criteria provided, conflicting classifications (1 of 4 stars). 5 submissions from 5 submitters: Uncertain significance (1); Likely benign (4). Last evaluated 2026-02-02.

Conditions:
ADGRV1-related disorder. Also called: ADGRV1-related condition; ADGRV1-related disorders.

Allele frequency attached by ClinVar (database versions not stated): gnomAD exomes 0.00002 and 0.00010; gnomAD 0.00007 and 0.00009; TOPMed 0.00010; ExAC 0.00018; 1000 Genomes Project 0.00080; 1000 Genomes Project 30x 0.00094.
gnomAD v4.1: 45 of 1,594,622 alleles (0.0028%); highest among the groups gnomAD compares: East Asian, 0.059%; no homozygotes.

Submissions (5):

Labcorp Genetics (formerly Invitae), Labcorp
Classification: Likely benign. Last evaluated: 2026-02-02. Review status: criteria provided, single submitter. Criteria: Invitae Variant Classification Sherloc (09022015). Collection method: clinical testing. Allele origin: germline.

PreventionGenetics, part of Exact Sciences
Classification: Likely benign for ADGRV1-related condition. Last evaluated: 2025-02-12. Review status: criteria provided, single submitter. Criteria: ACMG Guidelines, 2015. Collection method: clinical testing. Allele origin: germline.
Comment: This variant is classified as likely benign based on ACMG/AMP sequence variant interpretation guidelines (Richards et al. 2015 PMID: 25741868, with internal and published modifications).

Blueprint Genetics
Classification: Likely benign. Last evaluated: 2024-10-07. Review status: criteria provided, single submitter. Criteria: ACMG Guidelines, 2015. Collection method: clinical testing. Allele origin: germline.

GeneDx
Classification: Likely benign. Last evaluated: 2021-05-19. Review status: criteria provided, single submitter. Criteria: GeneDx Variant Classification Process June 2021. Collection method: clinical testing. Allele origin: germline. Affected: yes.

Eurofins Ntd Llc (ga)
Classification: Uncertain significance. Last evaluated: 2016-09-14. Review status: criteria provided, single submitter. Criteria: EGL Classification Definitions 2015. Collection method: clinical testing. Allele origin: germline. Observed: 1 variant allele, 1 heterozygote.